The following is an entry in ClinVar:

NM_001349338.3(FOXP1):c.1630C>T (p.Arg544Ter)

Gene: FOXP1 (forkhead box P1; minus strand). Cytogenetic location: 3p13.
Variant type: single nucleotide variant.
Coding change: c.1630C>T on transcript NM_001349338.3 (MANE Select); coding-DNA position 1630, C replaced by T.
Protein change: p.Arg544Ter; replaces arginine 544 with a stop codon.
Molecular consequence: nonsense. On other transcripts: non-coding transcript variant (2), intron variant (1).
Genome position (GRCh38, 1-based): chr3:70,972,577, G>A on the plus strand (C>T on the coding strand, the complement: FOXP1 is on the minus strand). VCF-style: chr3-70972577-G-A. GRCh37 (hg19) VCF-style: chr3-71021728-G-A.
Other names: c.1627C>T, p.Arg543Ter (NM_001244808.3, NM_001349341.3); c.1402C>T, p.Arg468Ter (NM_001244812.3); c.1330C>T, p.Arg444Ter (NM_001244813.3, NM_001244815.2, NM_001349342.3); c.1630C>T, p.Arg544Ter (NM_001244814.3, NM_001244816.2, NM_001349340.3 and 1 more transcripts); c.1327C>T, p.Arg443Ter (NM_001349337.2, NM_001349343.3, NM_001349344.3 and 1 more transcripts); c.1531-397C>T (NM_001244810.2); short protein forms R543*, R544*, R443*, R444*, R468*.
Identifiers: ClinVar variation 626283 (VCV000626283.6), dbSNP rs1559602356, ClinGen allele CA353491421.

ClinVar aggregate classification (germline): Pathogenic. Review status: criteria provided, multiple submitters, no conflicts (2 of 4 stars). 4 submissions from 4 submitters: Pathogenic (2). 2 of the submissions do not count toward it. Last evaluated 2021-05-12.

Conditions:
Intellectual disability-severe speech delay-mild dysmorphism syndrome (IDDLA). Also called: Mental retardation with language impairment and autistic features; Intellectual developmental disorder with language impairment AND with or without autistic features; FOXP1 Syndrome. Identifiers: Orphanet 391372, MedGen C4013764, MONDO:0013352, OMIM 613670.
Intellectual disability. Also called: intellectual disabilities; Intellectual functioning disability; Intellectual developmental disorder. Identifiers: MedGen C3714756, MeSH D008607, MONDO:0001071, HP:0001249.
Seizure. Also called: Seizures. Identifiers: MedGen C0036572, HP:0001250.
Rare genetic intellectual disability. Identifiers: Orphanet 183757, MedGen C5680527.
FOXP1-related disorders.

Submissions (4):

Blueprint Genetics
Classification: Pathogenic for FOXP1-related disorders. Last evaluated: 2021-05-12. Review status: criteria provided, single submitter. Criteria: ACMG Guidelines, 2015. Collection method: clinical testing. Allele origin: germline. Affected: yes. Observed: 1 variant allele.

Department of Genetics, Rouen University Hospital, Normandy Center for Genomic and Personalized Medicine
Classification: Pathogenic for Intellectual disability; Seizure. Last evaluated: 2018-06-01. Review status: criteria provided, single submitter. Criteria: ACMG Guidelines, 2015. Collection method: clinical testing. Allele origin: de novo. Affected: yes.

Biochemistry Laboratory of CDMU, Chengde Medical University
Classification: Pathogenic for Intellectual disability-severe speech delay-mild dysmorphism syndrome. Review status: no assertion criteria provided. Criteria: ACMG Guidelines, 2015. Collection method: case-control. Allele origin: de novo. Affected: yes. Not counted in ClinVar's aggregate classification.

Service de Génétique Moléculaire, Hôpital Robert Debré
Classification: Likely pathogenic for Rare genetic intellectual disability. Review status: no assertion criteria provided. Collection method: clinical testing. Allele origin: unknown. Affected: yes. Not counted in ClinVar's aggregate classification.